The following is an entry in ClinVar:

ClinVar aggregate classification (germline): Benign/Likely benign. Review status: criteria provided, multiple submitters, no conflicts (2 of 4 stars). 8 submissions from 8 submitters: Benign (3); Likely benign (5). Last evaluated 2026-07-01.

Conditions:
Autosomal recessive nonsyndromic hearing loss 28. Identifiers: Orphanet 90636, MedGen C1853276, MONDO:0012355, OMIM 609823.

Allele frequency attached by ClinVar (database versions not stated): 1000 Genomes Project 0.00080; 1000 Genomes Project 30x 0.00109; gnomAD 0.00379; TOPMed 0.00417; gnomAD exomes 0.00439; ExAC 0.00489; ESP Exome Variant Server 0.00566.
gnomAD v4.1: 7,444 of 1,613,514 alleles (0.46%); highest among the groups gnomAD compares: Middle Eastern, 1.3%; 27 homozygotes.

Submissions (8):

CeGaT Center for Human Genetics Tuebingen
Classification: Likely benign. Last evaluated: 2026-07-01. Review status: criteria provided, single submitter. Criteria: CeGaT Center For Human Genetics Tuebingen Variant Classification Criteria Version 2. Collection method: clinical testing. Allele origin: germline. Affected: yes. Observed: 5 variant alleles.
Comment: TRIOBP: BP4, BS2

Labcorp Genetics (formerly Invitae), Labcorp
Classification: Likely benign. Last evaluated: 2026-01-20. Review status: criteria provided, single submitter. Criteria: Invitae Variant Classification Sherloc (09022015). Collection method: clinical testing. Allele origin: germline.

Blueprint Genetics
Classification: Likely benign. Last evaluated: 2024-11-28. Review status: criteria provided, single submitter. Criteria: ACMG Guidelines, 2015. Collection method: clinical testing. Allele origin: germline.

Fulgent Genetics
Classification: Likely benign for Autosomal recessive nonsyndromic hearing loss 28. Last evaluated: 2021-09-10. Review status: criteria provided, single submitter. Criteria: ACMG Guidelines, 2015. Collection method: clinical testing. Allele origin: unknown.

GeneDx
Classification: Benign. Last evaluated: 2018-08-20. Review status: criteria provided, single submitter. Criteria: GeneDx Variant Classification Process June 2021. Collection method: clinical testing. Allele origin: germline. Affected: yes.
Comment: In silico analysis, which includes protein predictors and evolutionary conservation, supports that this variant does not alter protein structure/function

Eurofins Ntd Llc (ga)
Classification: Benign. Last evaluated: 2015-01-22. Review status: criteria provided, single submitter. Criteria: EGL Classification Definitions 2015. Collection method: clinical testing. Allele origin: germline. Observed: 1 variant allele, 1 heterozygote.

Laboratory for Molecular Medicine, Mass General Brigham Personalized Medicine
Classification: Benign. Last evaluated: 2012-04-30. Review status: criteria provided, single submitter. Criteria: LMM Criteria. Collection method: clinical testing. Allele origin: germline. Observed: 22 variant alleles.
Comment: Pro89Ala in Exon 05 of TRIOBP: This variant is not expected to have clinical sig nificance because it has been identified in 0.8% (54/6636) of European American chromosomes from a broad population by the NHLBI Exome Sequencing Project.

Breakthrough Genomics
Classification: Likely benign. Review status: criteria provided, single submitter. Criteria: ACMG Guidelines, 2015. Collection method: not provided. Allele origin: germline. Inheritance: Autosomal recessive inheritance. Affected: yes.

NM_001039141.3(TRIOBP):c.265C>G (p.Pro89Ala)

Gene: TRIOBP (TRIO and F-actin binding protein; plus strand). Cytogenetic location: 22q13.1.
Variant type: single nucleotide variant.
Coding change: c.265C>G on transcript NM_001039141.3 (MANE Select); coding-DNA position 265, C replaced by G.
Protein change: p.Pro89Ala; replaces proline 89 with alanine.
Molecular consequence: missense variant.
Genome position (GRCh38, 1-based): chr22:37,713,220, C>G. VCF-style: chr22-37713220-C-G. GRCh37 (hg19) VCF-style: chr22-38109227-C-G.
Other names: short protein forms P89A.
Identifiers: ClinVar variation 165582 (VCV000165582.53), dbSNP rs199646135, ClinGen allele CA178323.